The following is an entry in ClinVar:

NM_145290.4(ADGRA3):c.3281C>T (p.Ala1094Val)

Gene: ADGRA3 (adhesion G protein-coupled receptor A3; minus strand). Cytogenetic location: 4p15.2.
Variant type: single nucleotide variant.
Coding change: c.3281C>T on transcript NM_145290.4 (MANE Select); coding-DNA position 3281, C replaced by T.
Protein change: p.Ala1094Val; replaces alanine 1094 with valine.
Molecular consequence: missense variant.
Genome position (GRCh38, 1-based): chr4:22,388,390, G>A on the plus strand (C>T on the coding strand, the complement: ADGRA3 is on the minus strand). VCF-style: chr4-22388390-G-A. GRCh37 (hg19) VCF-style: chr4-22390013-G-A.
Other names: short protein forms A1094V.
Identifiers: ClinVar variation 1046849 (VCV001046849.8), dbSNP rs141619991, ClinGen allele CA2873401.

ClinVar aggregate classification (germline): Conflicting classifications of pathogenicity. Review status: criteria provided, conflicting classifications (1 of 4 stars). 2 submissions from 2 submitters: Uncertain significance (1); Likely benign (1). Last evaluated 2025-10-14.

Conditions:
Retinal dystrophy. Also called: Inherited retinal dystrophy. Identifiers: Orphanet 71862, MedGen C0854723, MeSH D058499, MONDO:0019118, HP:0000556.

Allele frequency attached by ClinVar (database versions not stated): 1000 Genomes Project 30x 0.00047; 1000 Genomes Project 0.00060; gnomAD 0.00023 and 0.00027; ExAC 0.00027; TOPMed 0.00030; ESP Exome Variant Server 0.00031.
gnomAD v4.1: 908 of 1,613,978 alleles (0.056%); highest among the groups gnomAD compares: East Asian, 0.33%; 2 homozygotes.

Submissions (2):

Labcorp Genetics (formerly Invitae), Labcorp
Classification: Uncertain significance. Last evaluated: 2025-10-14. Review status: criteria provided, single submitter. Criteria: Invitae Variant Classification Sherloc (09022015). Collection method: clinical testing. Allele origin: germline.
Comment: This sequence change replaces alanine, which is neutral and non-polar, with valine, which is neutral and non-polar, at codon 1094 of the ADGRA3 protein (p.Ala1094Val). This variant is present in population databases (rs141619991, gnomAD 0.04%). This variant has not been reported in the literature in individuals affected with ADGRA3-related conditions. ClinVar contains an entry for this variant (Variation ID: 1046849). An algorithm developed to predict the effect of missense changes on protein structure and function (PolyPhen-2) suggests that this variant is likely to be disruptive. In summary, the available evidence is currently insufficient to determine the role of this variant in disease. Therefore, it has been classified as a Variant of Uncertain Significance.

Dept Of Ophthalmology, Nagoya University
Classification: Likely benign for Retinal dystrophy. Last evaluated: 2023-10-01. Review status: criteria provided, single submitter. Criteria: Submitter's publication. Collection method: research. Allele origin: germline. Affected: yes.